The following is an entry in ClinVar:

NM_000052.7(ATP7A):c.3589A>G (p.Asn1197Asp)

Gene: ATP7A (ATPase copper transporting alpha; plus strand). Cytogenetic location: Xq21.1.
Variant type: single nucleotide variant.
Coding change: c.3589A>G on transcript NM_000052.7 (MANE Select); coding-DNA position 3589, A replaced by G.
Protein change: p.Asn1197Asp; replaces asparagine 1197 with aspartic acid.
Molecular consequence: missense variant. On other transcripts: non-coding transcript variant (1).
Genome position (GRCh38, 1-based): chrX:78,038,913, A>G. VCF-style: chrX-78038913-A-G. GRCh37 (hg19) VCF-style: chrX-77294411-A-G.
Other names: p.Asn1197Asp; c.3355A>G, p.Asn1119Asp (NM_001282224.2); short protein forms N1197D, N1119D.
Identifiers: ClinVar variation 508362 (VCV000508362.24), dbSNP rs148765730, ClinGen allele CA10459440.

ClinVar aggregate classification (germline): Benign/Likely benign. Review status: criteria provided, multiple submitters, no conflicts (2 of 4 stars). 8 submissions from 8 submitters: Benign (4); Likely benign (2). 2 of the submissions do not count toward it. Last evaluated 2026-01-31.

Conditions:
Inborn genetic diseases. Identifiers: MedGen C0950123, MeSH D030342.
Menkes kinky-hair syndrome (MNK). Also called: Menkes Disease; Classic Menkes Disease; Copper transport disease. Identifiers: Orphanet 565, MedGen C0022716, MONDO:0010651, OMIM 309400.
ATP7A-related disorder. Also called: ATP7A-related condition.
X-linked distal spinal muscular atrophy type 3. Also called: ATP7A-Related Distal Motor Neuropathy; SPINAL MUSCULAR ATROPHY, DISTAL, X-LINKED RECESSIVE; NEURONOPATHY, DISTAL HEREDITARY MOTOR, X-LINKED; NEUROPATHY, DISTAL HEREDITARY MOTOR, X-LINKED. Identifiers: Orphanet 139557, MedGen C1845359, MONDO:0010338, OMIM 300489.
Cutis laxa, X-linked (OHS). Also called: EDS IX; Occipital horn syndrome. Identifiers: Orphanet 198, MedGen C0268353, MONDO:0010572, OMIM 304150.

Allele frequency attached by ClinVar (database versions not stated): gnomAD exomes 0.00025 and 0.00077; ExAC 0.00096; gnomAD 0.00257 and 0.00280; TOPMed 0.00286; 1000 Genomes Project 0.00291; ESP Exome Variant Server 0.00350; 1000 Genomes Project 30x 0.00354.
gnomAD v4.1: 569 of 1,209,488 alleles (0.047%); highest among the groups gnomAD compares: African/African-American, 0.88%; no homozygotes.

Submissions (8):

Labcorp Genetics (formerly Invitae), Labcorp
Classification: Benign for X-linked distal spinal muscular atrophy type 3; Cutis laxa, X-linked; Menkes kinky-hair syndrome. Last evaluated: 2026-01-31. Review status: criteria provided, single submitter. Criteria: Invitae Variant Classification Sherloc (09022015). Collection method: clinical testing. Allele origin: germline.

Mayo Clinic Laboratories, Mayo Clinic
Classification: Likely benign. Last evaluated: 2025-03-12. Review status: criteria provided, single submitter. Criteria: ACMG Guidelines, 2015. Collection method: clinical testing. Allele origin: germline. Observed: 5 variant alleles.
Comment: BS1, BP4

Blueprint Genetics
Classification: Likely benign. Last evaluated: 2023-12-13. Review status: criteria provided, single submitter. Criteria: ACMG Guidelines, 2015. Collection method: clinical testing. Allele origin: germline.

GeneDx
Classification: Benign. Last evaluated: 2019-01-09. Review status: criteria provided, single submitter. Criteria: GeneDx Variant Classification Process June 2021. Collection method: clinical testing. Allele origin: germline. Affected: yes.

Ambry Genetics
Classification: Benign for Inborn genetic diseases. Last evaluated: 2016-10-04. Review status: criteria provided, single submitter. Criteria: Ambry Variant Classification Scheme 2023. Collection method: clinical testing. Allele origin: germline.

Breakthrough Genomics
Classification: Benign. Review status: criteria provided, single submitter. Criteria: ACMG Guidelines, 2015. Collection method: not provided. Allele origin: germline. Inheritance: X-linked inheritance. Affected: yes.

Natera, Inc.
Classification: Benign for Menkes kinky hair syndrome. Last evaluated: 2019-12-12. Review status: no assertion criteria provided. Collection method: clinical testing. Allele origin: germline. Not counted in ClinVar's aggregate classification.

PreventionGenetics, part of Exact Sciences
Classification: Benign for ATP7A-related condition. Last evaluated: 2019-05-31. Review status: no assertion criteria provided. Collection method: clinical testing. Allele origin: germline. Not counted in ClinVar's aggregate classification.
Comment: This variant is classified as benign based on ACMG/AMP sequence variant interpretation guidelines (Richards et al. 2015 PMID: 25741868, with internal and published modifications).